The following is an entry in ClinVar:

ClinVar aggregate classification (germline): Uncertain significance (1 of 4 stars; one submission).

Conditions:
Inborn genetic diseases. Identifiers: MedGen C0950123, MeSH D030342.

gnomAD v4.1: 4 of 1,613,732 alleles (0.00025%); highest among the groups gnomAD compares: East Asian, 0.0022%; no homozygotes.

Submission:

Ambry Genetics
Classification: Uncertain significance for Inborn genetic diseases. Last evaluated: 2025-07-18. Review status: criteria provided, single submitter. Criteria: Ambry Variant Classification Scheme 2023. Collection method: clinical testing. Allele origin: germline.
Comment: The p.R1467G variant (also known as c.4399A>G), located in coding exon 30 of the ANKRD26 gene, results from an A to G substitution at nucleotide position 4399. The arginine at codon 1467 is replaced by glycine, an amino acid with dissimilar properties. This amino acid position is conserved. In addition, this alteration is predicted to be tolerated by in silico analysis. Based on the available evidence, the clinical significance of this variant remains unclear.

NM_014915.3(ANKRD26):c.4399A>G (p.Arg1467Gly)

Gene: ANKRD26 (ankyrin repeat domain containing 26; minus strand). Cytogenetic location: 10p12.1.
Variant type: single nucleotide variant.
Coding change: c.4399A>G on transcript NM_014915.3 (MANE Select); coding-DNA position 4399, A replaced by G.
Protein change: p.Arg1467Gly; replaces arginine 1467 with glycine.
Molecular consequence: missense variant.
Genome position (GRCh38, 1-based): chr10:27,017,609, T>C on the plus strand (A>G on the coding strand, the complement: ANKRD26 is on the minus strand). VCF-style: chr10-27017609-T-C. GRCh37 (hg19) VCF-style: chr10-27306538-T-C.
Other names: c.4396A>G, p.Arg1466Gly (NM_001256053.2); short protein forms R1466G, R1467G.
Identifiers: ClinVar variation 4103574 (VCV004103574.1).
Genomic context (GRCh38, chr10:27,017,609, plus strand): 5'-TTGCTCTTTCTTCAATCTCCTGTTTATACTGTTTGACTTGACCAAGTTCTACCATATTCC[T>C]TTCTATATGACTTCTCAGGTTGATCACTTCTTGTTCCAACTTCTTTTTATTCTTCTGTAG-3'
Protein context (NP_055730.2, residues 1457-1477): EVINLRSHIE[Arg1467Gly]NMVELGQVKQ